The following is an entry in ClinVar:

NM_001370259.2(MEN1):c.417C>A (p.His139Gln)

Gene: MEN1 (menin 1; minus strand). Cytogenetic location: 11q13.1.
Variant type: single nucleotide variant.
Coding change: c.417C>A on transcript NM_001370259.2 (MANE Select); coding-DNA position 417, C replaced by A.
Protein change: p.His139Gln; replaces histidine 139 with glutamine.
Molecular consequence: missense variant.
Genome position (GRCh38, 1-based): chr11:64,809,693, G>T on the plus strand (C>A on the coding strand, the complement: MEN1 is on the minus strand). VCF-style: chr11-64809693-G-T. GRCh37 (hg19) VCF-style: chr11-64577165-G-T.
Other names: c.417C>A, p.His139Gln (NM_000244.4, NM_001370251.2, NM_001370260.2 and 9 more transcripts); short protein forms H139Q.
Identifiers: ClinVar variation 1677022 (VCV001677022.6), dbSNP rs386134254, ClinGen allele CA381186782.

ClinVar aggregate classification (germline): Likely pathogenic. Review status: criteria provided, multiple submitters, no conflicts (2 of 4 stars). 2 submissions from 2 submitters: Likely pathogenic (2). Last evaluated 2025-02-06.

Conditions:
Multiple endocrine neoplasia, type 1 (MEN1). Also called: MEA I; MEN I; WERMER SYNDROME; Endocrine adenomatosis multiple; MEN 1. Identifiers: Orphanet 652, MedGen C0025267, MeSH D018761, MONDO:0007540, OMIM 131100.

Submissions (2):

Women's Health and Genetics/Laboratory Corporation of America, LabCorp
Classification: Likely pathogenic for Multiple endocrine neoplasia, type 1. Last evaluated: 2025-02-06. Review status: criteria provided, single submitter. Criteria: LabCorp Variant Classification Summary - May 2015. Collection method: clinical testing. Allele origin: germline.
Comment: Variant summary: MEN1 c.417C>A (p.His139Gln) results in a non-conservative amino acid change in the encoded protein sequence. Multiple pathogenic/likely pathogenic variants at this residue (c.416A>G, p.His139Arg; c.415C>T, p.His139Tyr; c.415C>G, p.His139Asp) have been observed, supporting a critical relevance of this residue to MEN1 protein function. Five of five in-silico tools predict a damaging effect of the variant on protein function. The variant was absent in 251426 control chromosomes. c.417C>A has been observed in at-least one individual with a personal and family history suggestive of Multiple Endocrine Neoplasia Type 1 at our laboratory (internal data). To our knowledge, no experimental evidence demonstrating an impact on protein function has been reported. ClinVar contains an entry for this variant (Variation ID: 1677022). Based on the evidence outlined above, the variant was classified as likely pathogenic.

Labcorp Genetics (formerly Invitae), Labcorp
Classification: Likely pathogenic for Multiple endocrine neoplasia, type 1. Last evaluated: 2023-07-15. Review status: criteria provided, single submitter. Criteria: Invitae Variant Classification Sherloc (09022015). Collection method: clinical testing. Allele origin: germline.
Comment: In summary, the currently available evidence indicates that the variant is pathogenic, but additional data are needed to prove that conclusively. Therefore, this variant has been classified as Likely Pathogenic. This variant disrupts the p.His139 amino acid residue in MEN1. Other variant(s) that disrupt this residue have been determined to be pathogenic (PMID: 9989505, 12509449, 21819486, 22090276). This suggests that this residue is clinically significant, and that variants that disrupt this residue are likely to be disease-causing. Advanced modeling of protein sequence and biophysical properties (such as structural, functional, and spatial information, amino acid conservation, physicochemical variation, residue mobility, and thermodynamic stability) performed at Invitae indicates that this missense variant is expected to disrupt MEN1 protein function. ClinVar contains an entry for this variant (Variation ID: 1677022). This variant has not been reported in the literature in individuals affected with MEN1-related conditions. This variant is not present in population databases (gnomAD no frequency). This sequence change replaces histidine, which is basic and polar, with glutamine, which is neutral and polar, at codon 139 of the MEN1 protein (p.His139Gln).

Literature cited by the submitters: PubMed 9989505 (cited by Labcorp Genetics (formerly Invitae), Labcorp); PubMed 12509449 (cited by Labcorp Genetics (formerly Invitae), Labcorp); PubMed 21819486 (cited by Labcorp Genetics (formerly Invitae), Labcorp); PubMed 22090276 (cited by Labcorp Genetics (formerly Invitae), Labcorp).